The following is an entry in ClinVar:

ClinVar aggregate classification (germline): Uncertain significance (1 of 4 stars; one submission).

Conditions:
Inborn genetic diseases. Identifiers: MedGen C0950123, MeSH D030342.

gnomAD v4.1: 2 of 1,607,690 alleles (0.00012%); highest among the groups gnomAD compares: Non-Finnish European, 0.00017%; no homozygotes.

Submission:

Ambry Genetics
Classification: Uncertain significance for Inborn genetic diseases. Last evaluated: 2026-06-04. Review status: criteria provided, single submitter. Criteria: Ambry Variant Classification Scheme 2023. Collection method: clinical testing. Allele origin: germline.
Comment: The c.2879T>G (p.F960C) alteration is located in exon 20 (coding exon 20) of the ARFGEF1 gene. This alteration results from a T to G substitution at nucleotide position 2879, causing the phenylalanine (F) at amino acid position 960 to be replaced by a cysteine (C). Based on data from gnomAD, the G allele has an overall frequency of <0.001% (1/244048) total alleles studied. The highest observed frequency was 0.001% (1/111956) of European (non-Finnish) alleles. Based on insufficient or conflicting evidence, the clinical significance of this alteration remains unclear.

NM_006421.5(ARFGEF1):c.2879T>G (p.Phe960Cys)

Gene: ARFGEF1 (ARF guanine nucleotide exchange factor 1; minus strand). Cytogenetic location: 8q13.2.
Variant type: single nucleotide variant.
Coding change: c.2879T>G on transcript NM_006421.5 (MANE Select); coding-DNA position 2879, T replaced by G.
Protein change: p.Phe960Cys; replaces phenylalanine 960 with cysteine.
Molecular consequence: missense variant. On other transcripts: non-coding transcript variant (1).
Genome position (GRCh38, 1-based): chr8:67,240,262, A>C on the plus strand (T>G on the coding strand, the complement: ARFGEF1 is on the minus strand). VCF-style: chr8-67240262-A-C. GRCh37 (hg19) VCF-style: chr8-68152497-A-C.
Other names: c.2879T>G, p.Phe960Cys (NM_001413184.1, NM_001413185.1, NM_001413186.1 and 6 more transcripts); c.2279T>G, p.Phe760Cys (NM_001413188.1, NM_001413193.1, NM_001413197.1); c.2873T>G, p.Phe958Cys (NM_001413190.1); c.1454T>G, p.Phe485Cys (NM_001413196.1); short protein forms F485C, F760C, F958C, F960C.
Identifiers: ClinVar variation 4863112 (VCV004863112.1).
Genomic context (GRCh38, chr8:67,240,262, plus strand): 5'-ATACCTTCCAGGCAAAGAGAGGCTACTTCAGTATCATCACAATCTTGTAGACCCACACTG[A>C]ATGCAGCCAGAAAAGGCGTCCAAGCCAACTACAAAAATTAAAAATTGTATTTTAATTAAA-3'
Protein context (NP_006412.2, residues 950-970): KLAWTPFLAA[Phe960Cys]SVGLQDCDDT